The following is an entry in ClinVar:

NM_003579.4(RAD54L):c.1094G>C (p.Arg365Pro)

Gene: RAD54L (RAD54 like; plus strand). Cytogenetic location: 1p34.1.
Variant type: single nucleotide variant.
Coding change: c.1094G>C on transcript NM_003579.4 (MANE Select); coding-DNA position 1094, G replaced by C.
Protein change: p.Arg365Pro; replaces arginine 365 with proline.
Molecular consequence: missense variant.
Genome position (GRCh38, 1-based): chr1:46,270,710, G>C. VCF-style: chr1-46270710-G-C. GRCh37 (hg19) VCF-style: chr1-46736382-G-C.
Other names: c.1094G>C, p.Arg365Pro (NM_001142548.2); c.554G>C, p.Arg185Pro (NM_001370766.1); short protein forms R185P, R365P.
Identifiers: ClinVar variation 2447791 (VCV002447791.2), dbSNP rs369552170, ClinGen allele CA340175020.

ClinVar aggregate classification (germline): Uncertain significance (1 of 4 stars; one submission).

Submission:

Ambry Genetics
Classification: Uncertain significance. Last evaluated: 2022-12-11. Review status: criteria provided, single submitter. Criteria: Ambry Variant Classification Scheme 2023. Collection method: clinical testing. Allele origin: germline.
Comment: The p.R365P variant (also known as c.1094G>C), located in coding exon 10 of the RAD54L gene, results from a G to C substitution at nucleotide position 1094. The arginine at codon 365 is replaced by proline, an amino acid with dissimilar properties. This amino acid position is conserved. In addition, this alteration is predicted to be deleterious by in silico analysis. Since supporting evidence is limited at this time, the clinical significance of this alteration remains unclear.